The following is an entry in ClinVar:

NM_000553.6(WRN):c.3002A>G (p.His1001Arg)

Gene: WRN (WRN RecQ like helicase; plus strand). Cytogenetic location: 8p12.
Variant type: single nucleotide variant.
Coding change: c.3002A>G on transcript NM_000553.6 (MANE Select); coding-DNA position 3002, A replaced by G.
Protein change: p.His1001Arg; replaces histidine 1001 with arginine.
Molecular consequence: missense variant.
Genome position (GRCh38, 1-based): chr8:31,141,464, A>G. VCF-style: chr8-31141464-A-G. GRCh37 (hg19) VCF-style: chr8-30998980-A-G.
Other names: short protein forms H1001R.
Identifiers: ClinVar variation 1354848 (VCV001354848.6), dbSNP rs2130414628, ClinGen allele CA370921789.

ClinVar aggregate classification (germline): Uncertain significance (1 of 4 stars; one submission).

Conditions:
Werner syndrome (WRN). Identifiers: Orphanet 902, MedGen C0043119, MONDO:0010196, OMIM 277700.

Submission:

Labcorp Genetics (formerly Invitae), Labcorp
Classification: Uncertain significance for Werner syndrome. Last evaluated: 2021-11-10. Review status: criteria provided, single submitter. Criteria: Invitae Variant Classification Sherloc (09022015). Collection method: clinical testing. Allele origin: germline.
Comment: This sequence change replaces histidine, which is basic and polar, with arginine, which is basic and polar, at codon 1001 of the WRN protein (p.His1001Arg). This variant is not present in population databases (gnomAD no frequency). This variant has not been reported in the literature in individuals affected with WRN-related conditions. Algorithms developed to predict the effect of missense changes on protein structure and function are either unavailable or do not agree on the potential impact of this missense change (SIFT: "Not Available"; PolyPhen-2: "Probably Damaging"; Align-GVGD: "Not Available"). In summary, the available evidence is currently insufficient to determine the role of this variant in disease. Therefore, it has been classified as a Variant of Uncertain Significance.